The following is an entry in ClinVar:

NM_001371623.1(TCOF1):c.3631G>A (p.Gly1211Arg)

Gene: TCOF1 (treacle ribosome biogenesis factor 1; plus strand). Cytogenetic location: 5q32.
Variant type: single nucleotide variant.
Coding change: c.3631G>A on transcript NM_001371623.1 (MANE Select); coding-DNA position 3631, G replaced by A.
Protein change: p.Gly1211Arg; replaces glycine 1211 with arginine.
Molecular consequence: missense variant.
Genome position (GRCh38, 1-based): chr5:150,393,399, G>A. VCF-style: chr5-150393399-G-A. GRCh37 (hg19) VCF-style: chr5-149772962-G-A.
Other names: c.3397G>A, p.Gly1133Arg (NM_000356.4); c.3628G>A, p.Gly1210Arg (NM_001135243.2); c.3517G>A, p.Gly1173Arg (NM_001135244.2); c.3400G>A, p.Gly1134Arg (NM_001135245.2); c.3514G>A, p.Gly1172Arg (NM_001195141.2); short protein forms G1133R, G1134R, G1172R, G1173R, G1210R, G1211R.
Identifiers: ClinVar variation 1705661 (VCV001705661.1), dbSNP rs2534376897, ClinGen allele CA361739107.
Genomic context (GRCh38, chr5:150,393,399, plus strand): 5'-GGTGGCAGCCTCTTTCACAATGGGCTTCTTCAGTCTCTCCTCTCAGGTTATATGACCCCT[G>A]GACTAACCCCAGCCAATTCCCAGGCCTCAAAAGCCACTCCCAAGCTAGACTCCAGCCCCT-3'
Protein context (NP_001358552.1, residues 1201-1221): QSLLSGYMTP[Gly1211Arg]LTPANSQASK

ClinVar aggregate classification (germline): Uncertain significance (1 of 4 stars; one submission).

Conditions:
Treacher Collins syndrome 1 (TCS1). Also called: TCOF1-Related Treacher Collins Syndrome. Identifiers: Orphanet 861, MedGen CN315775, MONDO:0007944, OMIM 154500.

Submission:

3billion
Classification: Uncertain significance for Treacher Collins syndrome 1. Last evaluated: 2022-09-01. Review status: criteria provided, single submitter. Criteria: ACMG Guidelines, 2015. Collection method: clinical testing. Allele origin: germline. Affected: yes. Observed: 1 heterozygote.
Comment: The variant is not observed in the gnomAD v2.1.1 dataset. This variant is classified as uncertain significance according to the recommendation of ACMG/AMP guideline.